The following is an entry in ClinVar:

NM_000264.5(PTCH1):c.113G>A (p.Gly38Glu)

Genes: PTCH1 (patched 1; minus strand), LOC130002133 (ATAC-STARR-seq lymphoblastoid silent region 20071; plus strand). Cytogenetic location: 9q22.32.
Variant type: single nucleotide variant.
Coding change: c.113G>A on transcript NM_000264.5 (MANE Select); coding-DNA position 113, G replaced by A.
Protein change: p.Gly38Glu; replaces glycine 38 with glutamic acid.
Molecular consequence: missense variant. On other transcripts: non-coding transcript variant (1), intron variant (3).
Genome position (GRCh38, 1-based): chr9:95,508,249, C>T on the plus strand (G>A on the coding strand, the complement: PTCH1 is on the minus strand). VCF-style: chr9-95508249-C-T. GRCh37 (hg19) VCF-style: chr9-98270531-C-T.
Other names: c.113G>A, p.Gly38Glu (NM_001354918.2); c.199-1650G>A (NM_001083603.3); c.4-1650G>A (NM_001083602.3, NM_001354919.2); short protein forms G38E.
Identifiers: ClinVar variation 216367 (VCV000216367.33), dbSNP rs143494325, ClinGen allele CA339512.

ClinVar aggregate classification (germline): Conflicting classifications of pathogenicity. Review status: criteria provided, conflicting classifications (1 of 4 stars). 10 submissions from 10 submitters: Uncertain significance (2); Benign (1); Likely benign (5). 2 of the submissions do not count toward it. Last evaluated 2026-01-31.

Conditions:
Craniopharyngioma. Also called: Rathke's pouch tumor; Craniopharyngeal duct tumor; Adamantinomatous tumor; Dysodontogenic epithelial tumor. Identifiers: Orphanet 54595, MedGen C0010276, MeSH D003397, MONDO:0018907, HP:0030062.
Hereditary cancer-predisposing syndrome. Also called: Neoplastic Syndromes, Hereditary; Tumor predisposition; Hereditary Cancer Syndrome; Hereditary neoplastic syndrome. Identifiers: Orphanet 140162, MedGen C0027672, MeSH D009386, MONDO:0015356.
Gorlin syndrome. Also called: Nevoid Basal Cell Carcinoma Syndrome; Basal cell nevus syndrome. Identifiers: Orphanet 377, MedGen C0004779, MONDO:0007187.
PTCH1-related disorder. Also called: PTCH1-related disorders; PTCH1-related condition.

Allele frequency attached by ClinVar (database versions not stated): TOPMed 0.00017.

Submissions (10):

Labcorp Genetics (formerly Invitae), Labcorp
Classification: Likely benign for Gorlin syndrome. Last evaluated: 2026-01-31. Review status: criteria provided, single submitter. Criteria: Invitae Variant Classification Sherloc (09022015). Collection method: clinical testing. Allele origin: germline.

PreventionGenetics, part of Exact Sciences
Classification: Likely benign for PTCH1-related condition. Last evaluated: 2025-06-23. Review status: criteria provided, single submitter. Criteria: ACMG Guidelines, 2015. Collection method: clinical testing. Allele origin: germline.
Comment: This variant is classified as likely benign based on ACMG/AMP sequence variant interpretation guidelines (Richards et al. 2015 PMID: 25741868, with internal and published modifications).

Blueprint Genetics
Classification: Likely benign. Last evaluated: 2024-09-05. Review status: criteria provided, single submitter. Criteria: ACMG Guidelines, 2015. Collection method: clinical testing. Allele origin: germline.

Quest Diagnostics Nichols Institute San Juan Capistrano
Classification: Likely benign. Last evaluated: 2023-01-25. Review status: criteria provided, single submitter. Criteria: Quest Diagnostics criteria. Collection method: clinical testing. Allele origin: unknown.

Sema4
Classification: Likely benign for Hereditary cancer-predisposing syndrome. Last evaluated: 2021-08-20. Review status: criteria provided, single submitter. Criteria: Sema4 Curation Guidelines. Collection method: curation. Allele origin: germline.

Genetic Services Laboratory, University of Chicago
Classification: Uncertain significance. Last evaluated: 2021-06-17. Review status: criteria provided, single submitter. Criteria: ACMG Guidelines, 2015. Collection method: clinical testing. Allele origin: germline. Affected: no.
Comment: DNA sequence analysis of the PTCH1 gene demonstrated a sequence change, c.113G>A, in exon 1 that results in an amino acid change, p.Gly38Glu. This sequence change has been described in gnomAD with a frequency of 0.016% in the Non-Finnish European sub-population (dbSNP rs143494325). The p.Gly38Glu change affects a moderately conserved amino acid residue located in a domain of the PTCH1 protein that is known to be functional. The p.Gly38Glu substitution appears to be tolerated using several in-silico pathogenicity prediction tools (SIFT, PolyPhen2, Align GVGD, REVEL).One recent study reported an individual with congenital embryonal rhabdomyosarcoma who was compound heterozygous for this variant in PTCH1 and another missense change in the PTCH2 (PMID: 29230040). Due to the lack of sufficient evidences, the clinical significance of the p.Gly38Glu change remains unknown at this time.

Ambry Genetics
Classification: Benign for Hereditary cancer-predisposing syndrome. Last evaluated: 2019-10-16. Review status: criteria provided, single submitter. Criteria: Ambry Variant Classification Scheme 2023. Collection method: clinical testing. Allele origin: germline.

St. Jude Molecular Pathology, St. Jude Children's Research Hospital
Classification: Uncertain significance for Craniopharyngioma. Last evaluated: 2016-10-31. Review status: criteria provided, single submitter. Criteria: ACMG Guidelines, 2015. Collection method: clinical testing. Allele origin: germline. Affected: yes.

Clinical Genetics DNA and cytogenetics Diagnostics Lab, Erasmus MC, Erasmus Medical Center
Classification: Likely benign. Review status: no assertion criteria provided. Collection method: clinical testing. Allele origin: germline. Affected: yes. Study: VKGL Data-share Consensus. Not counted in ClinVar's aggregate classification.

Joint Genome Diagnostic Labs from Nijmegen and Maastricht, Radboudumc and MUMC+
Classification: Likely benign. Review status: no assertion criteria provided. Collection method: clinical testing. Allele origin: germline. Affected: yes. Study: VKGL Data-share Consensus. Not counted in ClinVar's aggregate classification.

Literature cited by the submitters: PubMed 29230040 (cited by Quest Diagnostics Nichols Institute San Juan Capistrano).